The following is an entry in ClinVar:

NM_005157.6(ABL1):c.1915C>T (p.Arg639Ter)

Gene: ABL1 (ABL proto-oncogene 1, non-receptor tyrosine kinase; plus strand). Cytogenetic location: 9q34.12.
Variant type: single nucleotide variant.
Coding change: c.1915C>T on transcript NM_005157.6 (MANE Select); coding-DNA position 1915, C replaced by T.
Protein change: p.Arg639Ter; replaces arginine 639 with a stop codon.
Molecular consequence: nonsense.
Genome position (GRCh38, 1-based): chr9:130,884,205, C>T. VCF-style: chr9-130884205-C-T. GRCh37 (hg19) VCF-style: chr9-133759592-C-T.
Other names: c.1972C>T, p.Arg658Ter (NM_007313.3); short protein forms R639*, R658*.
Identifiers: ClinVar variation 4719063 (VCV004719063.1).
Genomic context (GRCh38, chr9:130,884,205, plus strand): 5'-AGCTCCTTCCGGGAGATGGACGGCCAGCCGGAGCGCAGAGGGGCCGGCGAGGAAGAGGGC[C>T]GAGACATCAGCAACGGGGCACTGGCTTTCACCCCCTTGGACACAGCTGACCCAGCCAAGT-3'

ClinVar aggregate classification (germline): Uncertain significance (1 of 4 stars; one submission).

Submission:

Labcorp Genetics (formerly Invitae), Labcorp
Classification: Uncertain significance. Last evaluated: 2025-12-02. Review status: criteria provided, single submitter. Criteria: Invitae Variant Classification Sherloc (09022015). Collection method: clinical testing. Allele origin: germline.
Comment: This sequence change creates a premature translational stop signal (p.Arg658*) in the ABL1 gene. While this is not anticipated to result in nonsense mediated decay, it is expected to disrupt the last 492 amino acid(s) of the ABL1 protein. This variant is not present in population databases (gnomAD no frequency). This variant has not been reported in the literature in individuals affected with ABL1-related conditions. Experimental studies and prediction algorithms are not available or were not evaluated, and the functional significance of this variant is currently unknown. In summary, the available evidence is currently insufficient to determine the role of this variant in disease. Therefore, it has been classified as a Variant of Uncertain Significance.